The following is an entry in ClinVar:

ClinVar aggregate classification (germline): Benign/Likely benign. Review status: criteria provided, multiple submitters, no conflicts (2 of 4 stars). 5 submissions from 5 submitters: Benign (1); Likely benign (3). 1 of the submissions does not count toward it. Last evaluated 2026-08-01.

Conditions:
PUM1-related disorder. Also called: PUM1-related disorders; PUM1-related condition.
Inborn genetic diseases. Identifiers: MedGen C0950123, MeSH D030342.

Allele frequency attached by ClinVar (database versions not stated): TOPMed 0.00115; 1000 Genomes Project 30x 0.00125; ESP Exome Variant Server 0.00146; gnomAD 0.00157; 1000 Genomes Project 0.00160; ExAC 0.00180; gnomAD exomes 0.00218.
gnomAD v4.1: 3,409 of 1,611,500 alleles (0.21%); highest among the groups gnomAD compares: South Asian, 0.48%; 12 homozygotes.

Submissions (15):

CeGaT Center for Human Genetics Tuebingen
Classification: Likely benign. Last evaluated: 2026-08-01. Review status: criteria provided, single submitter. Criteria: CeGaT Center For Human Genetics Tuebingen Variant Classification Criteria Version 2. Collection method: clinical testing. Allele origin: germline. Affected: yes. Observed: 8 variant alleles.
Comment: PUM1: BS1

Blueprint Genetics
Classification: Likely benign. Last evaluated: 2024-11-25. Review status: criteria provided, single submitter. Criteria: ACMG Guidelines, 2015. Collection method: clinical testing. Allele origin: germline.

Mayo Clinic Laboratories, Mayo Clinic
Classification: Benign. Last evaluated: 2023-06-19. Review status: criteria provided, single submitter. Criteria: ACMG Guidelines, 2015. Collection method: clinical testing. Allele origin: germline. Observed: 2 variant alleles.
Comment: BS1, BS2, BP4

Ambry Genetics
Classification: Likely benign for Inborn genetic diseases. Last evaluated: 2021-10-18. Review status: criteria provided, single submitter. Criteria: Ambry Variant Classification Scheme 2023. Collection method: clinical testing. Allele origin: germline.

PreventionGenetics, part of Exact Sciences
Classification: Likely benign for PUM1-related condition. Last evaluated: 2022-12-02. Review status: no assertion criteria provided. Collection method: clinical testing. Allele origin: germline. Not counted in ClinVar's aggregate classification.
Comment: This variant is classified as likely benign based on ACMG/AMP sequence variant interpretation guidelines (Richards et al. 2015 PMID: 25741868, with internal and published modifications).

Dr. Peter K. Rogan Lab, Western University
No classification provided (evidence only). Condition: Clear cell carcinoma of kidney. Review status: no classification provided. Collection method: in vitro. Allele origin: not applicable. Functional consequence: retained intron. Not counted in ClinVar's aggregate classification.

Dr. Peter K. Rogan Lab, Western University
No classification provided (evidence only). Condition: Clear cell carcinoma of kidney. Review status: no classification provided. Collection method: in vitro. Allele origin: not applicable. Functional consequence: retained intron. Not counted in ClinVar's aggregate classification.

Dr. Peter K. Rogan Lab, Western University
No classification provided (evidence only). Condition: Melanoma. Review status: no classification provided. Collection method: in vitro. Allele origin: not applicable. Functional consequence: retained intron. Not counted in ClinVar's aggregate classification.

Dr. Peter K. Rogan Lab, Western University
No classification provided (evidence only). Condition: Familial cancer of breast. Review status: no classification provided. Collection method: in vitro. Allele origin: not applicable. Functional consequence: retained intron. Not counted in ClinVar's aggregate classification.

Dr. Peter K. Rogan Lab, Western University
No classification provided (evidence only). Condition: Thyroid cancer, nonmedullary, 1. Review status: no classification provided. Collection method: in vitro. Allele origin: not applicable. Functional consequence: retained intron. Not counted in ClinVar's aggregate classification.

Dr. Peter K. Rogan Lab, Western University
No classification provided (evidence only). Condition: Cervical cancer. Review status: no classification provided. Collection method: in vitro. Allele origin: not applicable. Functional consequence: skipped exon. Not counted in ClinVar's aggregate classification.

Dr. Peter K. Rogan Lab, Western University
No classification provided (evidence only). Condition: Malignant lymphoma, large B-cell, diffuse. Review status: no classification provided. Collection method: in vitro. Allele origin: not applicable. Functional consequence: retained intron. Not counted in ClinVar's aggregate classification.

Dr. Peter K. Rogan Lab, Western University
No classification provided (evidence only). Condition: Malignant tumor of esophagus. Review status: no classification provided. Collection method: in vitro. Allele origin: not applicable. Functional consequence: retained intron. Not counted in ClinVar's aggregate classification.

Dr. Peter K. Rogan Lab, Western University
No classification provided (evidence only). Condition: Chronic lymphocytic leukemia/small lymphocytic lymphoma. Review status: no classification provided. Collection method: in vitro. Allele origin: not applicable. Functional consequence: retained intron. Not counted in ClinVar's aggregate classification.

Dr. Peter K. Rogan Lab, Western University
No classification provided (evidence only). Condition: Nonpapillary renal cell carcinoma. Review status: no classification provided. Collection method: in vitro. Allele origin: not applicable. Functional consequence: retained intron. Not counted in ClinVar's aggregate classification.

NM_001020658.2(PUM1):c.2854A>G (p.Ile952Val)

Gene: PUM1 (pumilio RNA binding family member 1; minus strand). Cytogenetic location: 1p35.2.
Variant type: single nucleotide variant.
Coding change: c.2854A>G on transcript NM_001020658.2 (MANE Select); coding-DNA position 2854, A replaced by G.
Protein change: p.Ile952Val; replaces isoleucine 952 with valine.
Molecular consequence: missense variant. On other transcripts: intron variant (1).
Genome position (GRCh38, 1-based): chr1:30,950,129, T>C on the plus strand (A>G on the coding strand, the complement: PUM1 is on the minus strand). VCF-style: chr1-30950129-T-C. GRCh37 (hg19) VCF-style: chr1-31422976-T-C.
Other names: NC_000001.10:g.31422976T>C; p.Ile952Val; c.2850+4A>G (NM_014676.3); short protein forms I952V.
Identifiers: ClinVar variation 2342728 (VCV002342728.30), dbSNP rs146226392, ClinGen allele CA728886.
Genomic context (GRCh38, chr1:30,950,129, plus strand): 5'-CTACATGTACCATGGAGAAACATCAAACACCAAGAGAAAAGTTAAAGGGGAAACTTACAA[T>C]TACCTGCTGGTCTGAAGGAATAAACTCAAGAGCTTTCTGGATAACACGGCAGCCATACAT-3'
Protein context (NP_001018494.1, residues 942-962): LEFIPSDQQV[Ile952Val]NEMVRELDGH